The following is an entry in ClinVar:

NM_021927.3(GUF1):c.1202+1G>C

Gene: GUF1 (GTP binding elongation factor GUF1; plus strand). Cytogenetic location: 4p12.
Variant type: single nucleotide variant.
Coding change: c.1202+1G>C on transcript NM_021927.3 (MANE Select); the canonical splice donor site of the intron after coding-DNA position 1202, G replaced by C.
Molecular consequence: splice donor variant.
Genome position (GRCh38, 1-based): chr4:44,689,410, G>C. VCF-style: chr4-44689410-G-C. GRCh37 (hg19) VCF-style: chr4-44691427-G-C.
Other names: c.1202+1G>C (NM_001345868.2); c.230+1G>C (NM_001345867.2, NM_001345869.2).
Identifiers: ClinVar variation 4696642 (VCV004696642.1).
Genomic context (GRCh38, chr4:44,689,410, plus strand): 5'-AAATGATTCCAGTGTGACCGTTCATCGGGATAGTAGCCTTGCTCTGGGTGCTGGCTGGAG[G>C]TAAGATTCATTCACATGTGTTTTATAGGAAAGGGAGGTGTAAATGGTGTATTTTAAAAAT-3'

ClinVar aggregate classification (germline): Uncertain significance (1 of 4 stars; one submission).

Submission:

Labcorp Genetics (formerly Invitae), Labcorp
Classification: Uncertain significance. Last evaluated: 2025-08-30. Review status: criteria provided, single submitter. Criteria: Invitae Variant Classification Sherloc (09022015). Collection method: clinical testing. Allele origin: germline.
Comment: This sequence change affects a donor splice site in intron 10 of the GUF1 gene. It is expected to disrupt RNA splicing. Variants that disrupt the donor or acceptor splice site typically lead to a loss of protein function (PMID: 16199547), however the current clinical and genetic evidence is not sufficient to establish whether loss-of-function variants in GUF1 cause disease. This variant is not present in population databases (gnomAD no frequency). This variant has not been reported in the literature in individuals affected with GUF1-related conditions. Algorithms developed to predict the effect of sequence changes on RNA splicing suggest that this variant may disrupt the consensus splice site. In summary, the available evidence is currently insufficient to determine the role of this variant in disease. Therefore, it has been classified as a Variant of Uncertain Significance.

Literature cited by the submitters: PubMed 16199547.